The following is an entry in ClinVar:

NM_001370259.2(MEN1):c.209A>G (p.Asp70Gly)

Gene: MEN1 (menin 1; minus strand). Cytogenetic location: 11q13.1.
Variant type: single nucleotide variant.
Coding change: c.209A>G on transcript NM_001370259.2 (MANE Select); coding-DNA position 209, A replaced by G.
Protein change: p.Asp70Gly; replaces aspartic acid 70 with glycine.
Molecular consequence: missense variant. On other transcripts: non-coding transcript variant (4).
Genome position (GRCh38, 1-based): chr11:64,809,901, T>C on the plus strand (A>G on the coding strand, the complement: MEN1 is on the minus strand). VCF-style: chr11-64809901-T-C. GRCh37 (hg19) VCF-style: chr11-64577373-T-C.
Other names: c.209A>G, p.Asp70Gly (NM_000244.4, NM_001370251.2, NM_001370260.2 and 20 more transcripts); short protein forms D70G.
Identifiers: ClinVar variation 3072803 (VCV003072803.2), dbSNP rs1220436193, ClinGen allele CA381187642.
Genomic context (GRCh38, chr11:64,809,901, plus strand): 5'-TAGAGGGCGGCGATGATAGACAGGTCGGCCACGGGAAAGTAGGTGAGGCCGCCAGGCGGG[T>C]CGGGGGCGGGGCTGGGCTGGAAGGTGAGCTCGGGAACGTTGGTAGGGATGACGCGGTTGA-3'
Protein context (NP_001357188.2, residues 60-80): ELTFQPSPAP[Asp70Gly]PPGGLTYFPV

ClinVar aggregate classification (germline): Uncertain significance. Review status: criteria provided, multiple submitters, no conflicts (2 of 4 stars). 2 submissions from 2 submitters: Uncertain significance (2). Last evaluated 2024-08-06.

Conditions:
Hereditary cancer-predisposing syndrome. Also called: Hereditary neoplastic syndrome; Neoplastic Syndromes, Hereditary; Tumor predisposition; Hereditary Cancer Syndrome. Identifiers: Orphanet 140162, MedGen C0027672, MeSH D009386, MONDO:0015356.
Multiple endocrine neoplasia, type 1 (MEN1). Also called: MEN I; WERMER SYNDROME; Endocrine adenomatosis multiple; MEN 1; MEA I. Identifiers: Orphanet 652, MedGen C0025267, MeSH D018761, MONDO:0007540, OMIM 131100.

Submissions (2):

Ambry Genetics
Classification: Uncertain significance for Hereditary cancer-predisposing syndrome. Last evaluated: 2024-08-06. Review status: criteria provided, single submitter. Criteria: Ambry Variant Classification Scheme 2023. Collection method: clinical testing. Allele origin: germline.
Comment: The p.D70G variant (also known as c.209A>G), located in coding exon 1 of the MEN1 gene, results from an A to G substitution at nucleotide position 209. The aspartic acid at codon 70 is replaced by glycine, an amino acid with similar properties. This amino acid position is well conserved in available vertebrate species. In addition, the in silico prediction for this alteration is inconclusive. Based on the available evidence, the clinical significance of this variant remains unclear.

All of Us Research Program, National Institutes of Health
Classification: Uncertain significance for Multiple endocrine neoplasia, type 1. Last evaluated: 2023-08-15. Review status: criteria provided, single submitter. Criteria: ACMG Guidelines, 2015. Collection method: clinical testing. Allele origin: germline. Inheritance: Autosomal dominant inheritance. Observed: 1 variant allele, 1 heterozygote.
Comment: This missense variant replaces aspartic acid with glycine at codon 70 of the MEN1 protein. Computational prediction is inconclusive regarding the impact of this variant on protein structure and function (internally defined REVEL score threshold 0.5 < inconclusive < 0.7, PMID: 27666373). To our knowledge, functional studies have not been reported for this variant. This variant has not been reported in individuals affected with MEN1-related disorders in the literature. This variant has not been identified in the general population by the Genome Aggregation Database (gnomAD). The available evidence is insufficient to determine the role of this variant in disease conclusively. Therefore, this variant is classified as a Variant of Uncertain Significance.

This study involves interpretation of variants in research participants for the purpose of population health screening. Participant phenotype was not available at the time of variant classification. Additional details can be found in publication PMID: 35346344, PMCID: PMC8962531